The following is an entry in ClinVar:

ClinVar aggregate classification (germline): Uncertain significance (1 of 4 stars; one submission).

Conditions:
Epilepsy, progressive myoclonic, 1B. Also called: PME. Identifiers: Orphanet 308, MedGen C2676254, MONDO:0012904, OMIM 612437.

Allele frequency attached by ClinVar (database versions not stated): gnomAD exomes below 0.00001; ExAC 0.00001; TOPMed 0.00001.

Submission:

Labcorp Genetics (formerly Invitae), Labcorp
Classification: Uncertain significance for Epilepsy, progressive myoclonic, 1B. Last evaluated: 2020-06-07. Review status: criteria provided, single submitter. Criteria: Invitae Variant Classification Sherloc (09022015). Collection method: clinical testing. Allele origin: germline.
Comment: This variant is present in population databases (rs767486612, ExAC 0.001%). This sequence change replaces tryptophan with arginine at codon 443 of the PRICKLE1 protein (p.Trp443Arg). The tryptophan residue is highly conserved and there is a moderate physicochemical difference between tryptophan and arginine. This variant has not been reported in the literature in individuals with PRICKLE1-related conditions. Algorithms developed to predict the effect of missense changes on protein structure and function are either unavailable or do not agree on the potential impact of this missense change (SIFT: "Deleterious"; PolyPhen-2: "Possibly Damaging"; Align-GVGD: "Class C0"). In summary, the available evidence is currently insufficient to determine the role of this variant in disease. Therefore, it has been classified as a Variant of Uncertain Significance.

NM_153026.3(PRICKLE1):c.1327T>C (p.Trp443Arg)

Gene: PRICKLE1 (prickle planar cell polarity protein 1; minus strand). Cytogenetic location: 12q12.
Variant type: single nucleotide variant.
Coding change: c.1327T>C on transcript NM_153026.3 (MANE Select); coding-DNA position 1327, T replaced by C.
Protein change: p.Trp443Arg; replaces tryptophan 443 with arginine.
Molecular consequence: missense variant.
Genome position (GRCh38, 1-based): chr12:42,464,707, A>G on the plus strand (T>C on the coding strand, the complement: PRICKLE1 is on the minus strand). VCF-style: chr12-42464707-A-G. GRCh37 (hg19) VCF-style: chr12-42858509-A-G.
Other names: c.1327T>C, p.Trp443Arg (NM_001144881.2, NM_001144882.2, NM_001144883.2); short protein forms W443R.
Identifiers: ClinVar variation 966926 (VCV000966926.9), dbSNP rs767486612, ClinGen allele CA6519771.
Genomic context (GRCh38, chr12:42,464,707, plus strand): 5'-CAAGGCTCTGGTTATTTTGCTTTAACTCGGTCTTACTTTTAACCATGTTATCAGATATCC[A>G]GTGCTCACTGGCTCGAATATCCATCTCATTGGGCTGTGGCTGAAAGAGGCTTTTATCACC-3'
Protein context (NP_694571.2, residues 433-453): NEMDIRASEH[Trp443Arg]ISDNMVKSKT